The following is an entry in ClinVar:

NM_000395.3(CSF2RB):c.1955T>C (p.Val652Ala)

Gene: CSF2RB (colony stimulating factor 2 receptor subunit beta; plus strand). Cytogenetic location: 22q12.3.
Variant type: single nucleotide variant.
Coding change: c.1955T>C on transcript NM_000395.3 (MANE Select); coding-DNA position 1955, T replaced by C.
Protein change: p.Val652Ala; replaces valine 652 with alanine.
Molecular consequence: missense variant.
Genome position (GRCh38, 1-based): chr22:36,937,763, T>C. VCF-style: chr22-36937763-T-C. GRCh37 (hg19) VCF-style: chr22-37333805-T-C.
Other names: c.1973T>C, p.Val658Ala (NM_001410827.1); short protein forms V658A, V652A.
Identifiers: ClinVar variation 4741830 (VCV004741830.1).

ClinVar aggregate classification (germline): Uncertain significance (1 of 4 stars; one submission).

Submission:

Labcorp Genetics (formerly Invitae), Labcorp
Classification: Uncertain significance. Last evaluated: 2025-10-27. Review status: criteria provided, single submitter. Criteria: Invitae Variant Classification Sherloc (09022015). Collection method: clinical testing. Allele origin: germline.
Comment: This sequence change replaces valine, which is neutral and non-polar, with alanine, which is neutral and non-polar, at codon 652 of the CSF2RB protein (p.Val652Ala). This variant is not present in population databases (gnomAD no frequency). This variant has not been reported in the literature in individuals affected with CSF2RB-related conditions. Invitae Evidence Modeling of protein sequence and biophysical properties (such as structural, functional, and spatial information, amino acid conservation, physicochemical variation, residue mobility, and thermodynamic stability) indicates that this missense variant is not expected to disrupt CSF2RB protein function with a negative predictive value of 80%. In summary, the available evidence is currently insufficient to determine the role of this variant in disease. Therefore, it has been classified as a Variant of Uncertain Significance.